The following is an entry in ClinVar:

ClinVar aggregate classification (germline): Uncertain significance (1 of 4 stars; one submission).

Conditions:
SEMA3B-related disorder. Also called: SEMA3B-related condition.

Submission:

PreventionGenetics, part of Exact Sciences
Classification: Uncertain significance for SEMA3B-related condition. Last evaluated: 2025-08-07. Review status: criteria provided, single submitter. Criteria: ACMG Guidelines, 2015. Collection method: clinical testing. Allele origin: germline.
Comment: The SEMA3B c.534C>G variant is not predicted to result in an amino acid change (p.=). To our knowledge, this variant has not been reported in the literature or in a large population database (gnomAD), indicating this variant is rare. At this time, the clinical significance of this variant is uncertain due to the absence of conclusive functional and genetic evidence.

NM_001290060.2(SEMA3B):c.534C>G (p.Ser178=)

Gene: SEMA3B (semaphorin 3B; plus strand). Cytogenetic location: 3p21.31.
Variant type: single nucleotide variant.
Coding change: c.534C>G on transcript NM_001290060.2 (MANE Select); coding-DNA position 534, C replaced by G.
Protein change: p.Ser178=; no amino-acid change (serine 178 retained).
Molecular consequence: synonymous variant.
Genome position (GRCh38, 1-based): chr3:50,271,171, C>G. VCF-style: chr3-50271171-C-G. GRCh37 (hg19) VCF-style: chr3-50308602-C-G.
Other names: c.534C>G, p.Ser178= (NM_001005914.3, NM_001290061.1, NM_001435956.1 and 3 more transcripts).
Identifiers: ClinVar variation 4997962 (VCV004997962.1).
Genomic context (GRCh38, chr3:50,271,171, plus strand): 5'-AGGAAGGATAGAGGATGGCAAGGGGAAGAGTCCTTATGACCCCAGGCATCGGGCTGCCTC[C>G]GTGCTGGTGGGTGAGTCCAAGGGCTAAGGCCCCAAGAGAACCCCTTAGAAACTCTAGAAC-3'
Protein context (NP_001276989.1, residues 168-188): SPYDPRHRAA[Ser178=]VLVGEELYSG